The following is an entry in ClinVar:

NM_024422.6(DSC2):c.1252T>C (p.Cys418Arg)

Gene: DSC2 (desmocollin 2; minus strand). Cytogenetic location: 18q12.1.
Variant type: single nucleotide variant.
Coding change: c.1252T>C on transcript NM_024422.6 (MANE Select); coding-DNA position 1252, T replaced by C.
Protein change: p.Cys418Arg; replaces cysteine 418 with arginine.
Molecular consequence: missense variant.
Genome position (GRCh38, 1-based): chr18:31,082,249, A>G on the plus strand (T>C on the coding strand, the complement: DSC2 is on the minus strand). VCF-style: chr18-31082249-A-G. GRCh37 (hg19) VCF-style: chr18-28662215-A-G.
Other names: c.1252T>C (NM_024422.4); c.823T>C, p.Cys275Arg (NM_001406506.1, NM_001406507.1); c.1252T>C, p.Cys418Arg (NM_004949.5); short protein forms C275R, C418R.
Identifiers: ClinVar variation 4780460 (VCV004780460.2).

ClinVar aggregate classification (germline): Uncertain significance. Review status: criteria provided, multiple submitters, no conflicts (2 of 4 stars). 2 submissions from 2 submitters: Uncertain significance (2). Last evaluated 2026-01-12.

Conditions:
DSC2-related disorder. Also called: DSC2-related condition.
Arrhythmogenic right ventricular dysplasia 11. Also called: Arrhythmogenic right ventricular dysplasia 11 with mild palmoplantar keratoderma and woolly hair; Arrhythmogenic Right Ventricular Dysplasia/Cardiomyopathy11; ARRHYTHMOGENIC RIGHT VENTRICULAR DYSPLASIA, FAMILIAL, 11. Identifiers: MedGen C1864850, MONDO:0012506, OMIM 610476.

gnomAD v4.1: 1 of 1,613,228 alleles (0.000062%); highest among the groups gnomAD compares: African/African-American, 0.0013%; no homozygotes.

Submissions (2):

Labcorp Genetics (formerly Invitae), Labcorp
Classification: Uncertain significance for Arrhythmogenic right ventricular dysplasia 11. Last evaluated: 2026-01-12. Review status: criteria provided, single submitter. Criteria: Invitae Variant Classification Sherloc (09022015). Collection method: clinical testing. Allele origin: germline.
Comment: This sequence change replaces cysteine, which is neutral and slightly polar, with arginine, which is basic and polar, at codon 418 of the DSC2 protein (p.Cys418Arg). This variant is not present in population databases (gnomAD no frequency). This variant has not been reported in the literature in individuals affected with DSC2-related conditions. Invitae Evidence Modeling of protein sequence and biophysical properties (such as structural, functional, and spatial information, amino acid conservation, physicochemical variation, residue mobility, and thermodynamic stability) indicates that this missense variant is not expected to disrupt DSC2 protein function with a negative predictive value of 80%. In summary, the available evidence is currently insufficient to determine the role of this variant in disease. Therefore, it has been classified as a Variant of Uncertain Significance.

PreventionGenetics, part of Exact Sciences
Classification: Uncertain significance for DSC2-related condition. Last evaluated: 2024-11-05. Review status: criteria provided, single submitter. Criteria: ACMG Guidelines, 2015. Collection method: clinical testing. Allele origin: germline.
Comment: The DSC2 c.1252T>C variant is predicted to result in the amino acid substitution p.Cys418Arg. To our knowledge, this variant has not been reported in the literature or in a large population database (gnomAD), indicating this variant is rare. At this time, the clinical significance of this variant is uncertain due to the absence of conclusive functional and genetic evidence.